The following is an entry in ClinVar:

NM_001042702.5(PJVK):c.811_814del (p.Asp271fs)

Gene: PJVK (pejvakin; plus strand). Cytogenetic location: 2q31.2.
Variant type: Deletion.
Coding change: c.811_814del on transcript NM_001042702.5 (MANE Select); coding-DNA positions 811 to 814, 4 bases deleted (GATG; older notation c.811_814delGATG).
Protein change: p.Asp271fs; shifts the reading frame from aspartic acid 271.
Molecular consequence: frameshift variant.
Genome position (GRCh38, 1-based): chr2:178,461,026-178,461,029, GATG deleted; deleting any 4 consecutive bases within chr2:178,461,024-178,461,029 gives the same sequence; the c. name uses the placement nearest the transcript's 3' end. VCF-style (leftmost placement, unchanged base first): chr2-178461023-TTGGA-T. GRCh37 (hg19) VCF-style: chr2-179325750-TTGGA-T.
Other names: c.820_823del, p.Asp274fs (NM_001353775.2); c.817_820del, p.Asp273fs (NM_001353776.2); c.334_337del, p.Asp112fs (NM_001353777.1, NM_001353778.2); c.811_814del, p.Asp271fs (NM_001369912.1); short protein forms D273fs, D271fs, D112fs, D274fs.
Identifiers: ClinVar variation 2905652 (VCV002905652.3), dbSNP rs754076425, ClinGen allele CA1984306.

ClinVar aggregate classification (germline): Pathogenic (1 of 4 stars; one submission).

Submission:

Labcorp Genetics (formerly Invitae), Labcorp
Classification: Pathogenic. Last evaluated: 2023-05-27. Review status: criteria provided, single submitter. Criteria: Invitae Variant Classification Sherloc (09022015). Collection method: clinical testing. Allele origin: germline.
Comment: This variant disrupts a region of the DFNB59 protein in which other variant(s) (p.Arg296*) have been determined to be pathogenic (Invitae). This suggests that this is a clinically significant region of the protein, and that variants that disrupt it are likely to be disease-causing. This sequence change creates a premature translational stop signal (p.Asp271Ilefs*13) in the DFNB59 gene. While this is not anticipated to result in nonsense mediated decay, it is expected to disrupt the last 82 amino acid(s) of the DFNB59 protein. This variant is present in population databases (rs754076425, gnomAD 0.002%). This variant has not been reported in the literature in individuals affected with DFNB59-related conditions. For these reasons, this variant has been classified as Pathogenic.